The following is an entry in ClinVar:

ClinVar aggregate classification (germline): Uncertain significance (1 of 4 stars; one submission).

Conditions:
Mucopolysaccharidosis, MPS-III-D (MPS3D). Also called: MPS IIID (Sanfilippo Syndrome Type D); MPS III D; Mucopoly-saccharidosis type 3D; N-acetylglucosamine-6-sulfate sulfatase deficiency; MPS 3D; MUCOPOLYSACCHARIDOSIS, TYPE IIID. Identifiers: Orphanet 581, Orphanet 79272, MedGen C0086650, MONDO:0009658, OMIM 252940.

gnomAD v4.1: 3 of 1,371,450 alleles (0.00022%); highest among the groups gnomAD compares: Non-Finnish European, 0.00031%; no homozygotes.

Submission:

Labcorp Genetics (formerly Invitae), Labcorp
Classification: Uncertain significance for Mucopolysaccharidosis, MPS-III-D. Last evaluated: 2021-09-01. Review status: criteria provided, single submitter. Criteria: Invitae Variant Classification Sherloc (09022015). Collection method: clinical testing. Allele origin: germline.
Comment: This sequence change falls in intron 11 of the GNS gene. It does not directly change the encoded amino acid sequence of the GNS protein. This variant is not present in population databases (ExAC no frequency). This variant has not been reported in the literature in individuals affected with GNS-related conditions. Algorithms developed to predict the effect of sequence changes on RNA splicing suggest that this variant may disrupt the consensus splice site. In summary, the available evidence is currently insufficient to determine the role of this variant in disease. Therefore, it has been classified as a Variant of Uncertain Significance.

NM_002076.4(GNS):c.1309-6C>G

Gene: GNS (glucosamine (N-acetyl)-6-sulfatase; minus strand). Cytogenetic location: 12q14.3.
Variant type: single nucleotide variant.
Coding change: c.1309-6C>G on transcript NM_002076.4 (MANE Select); 6 bases into the intron before coding-DNA position 1309, C replaced by G.
Molecular consequence: intron variant.
Genome position (GRCh38, 1-based): chr12:64,721,711, G>C on the plus strand (C>G on the coding strand, the complement: GNS is on the minus strand). VCF-style: chr12-64721711-G-C. GRCh37 (hg19) VCF-style: chr12-65115491-G-C.
Identifiers: ClinVar variation 662642 (VCV000662642.8), dbSNP rs1592491918, ClinGen allele CA915948531.